The following is an entry in ClinVar:

NM_198271.5(LMOD3):c.723_733del (p.Asp242fs)

Gene: LMOD3 (leiomodin 3; minus strand). Cytogenetic location: 3p14.1.
Variant type: Deletion.
Coding change: c.723_733del on transcript NM_198271.5 (MANE Select); coding-DNA positions 723 to 733, 11 bases deleted (GGATGGGAGCT).
Protein change: p.Asp242fs; shifts the reading frame from aspartic acid 242.
Molecular consequence: frameshift variant.
Genome position (GRCh38, 1-based): chr3:69,119,622-69,119,632, AGCTCCCATCC deleted on the plus strand (GGATGGGAGCT on the coding strand, the reverse complement: LMOD3 is on the minus strand); deleting any 11 consecutive bases within chr3:69,119,622-69,119,634 gives the same sequence; the c. name uses the placement nearest the transcript's 3' end. VCF-style (leftmost placement, unchanged base first): chr3-69119621-AAGCTCCCATCC-A. GRCh37 (hg19) VCF-style: chr3-69168772-AAGCTCCCATCC-A.
Other names: NM_198271.5(LMOD3):c.723_733del; p.Asp242fs; c.723_733del, p.Asp242fs (NM_001304418.3); c.723_733delGGATGGGAGCT (NM_198271.4); short protein forms D242fs.
Identifiers: ClinVar variation 817627 (VCV000817627.16), dbSNP rs769824247, ClinGen allele CA2488932.

ClinVar aggregate classification (germline): Pathogenic/Likely pathogenic. Review status: criteria provided, multiple submitters, no conflicts (2 of 4 stars). 5 submissions from 5 submitters: Pathogenic (2); Likely pathogenic (2). 1 of the submissions does not count toward it. Last evaluated 2025-01-17.

Conditions:
LMOD3-related disorder. Also called: LMOD3-related condition.
Nemaline myopathy 10 (NEM10). Identifiers: MedGen C4015360, MONDO:0014513, OMIM 616165.

Submissions (5):

Labcorp Genetics (formerly Invitae), Labcorp
Classification: Pathogenic for Nemaline myopathy 10. Last evaluated: 2025-01-17. Review status: criteria provided, single submitter. Criteria: Invitae Variant Classification Sherloc (09022015). Collection method: clinical testing. Allele origin: germline.
Comment: This sequence change creates a premature translational stop signal (p.Asp242Glufs*4) in the LMOD3 gene. It is expected to result in an absent or disrupted protein product. Loss-of-function variants in LMOD3 are known to be pathogenic (PMID: 25250574). This variant is present in population databases (rs769824247, gnomAD 0.03%). This premature translational stop signal has been observed in individuals with congenital myopathy (PMID: 25250574, 31428121). ClinVar contains an entry for this variant (Variation ID: 817627). For these reasons, this variant has been classified as Pathogenic.

Revvity Omics, Revvity
Classification: Likely pathogenic for Nemaline myopathy 10. Last evaluated: 2024-07-11. Review status: criteria provided, single submitter. Criteria: ACMG Guidelines, 2015. Collection method: clinical testing. Allele origin: germline.

Broad Center for Mendelian Genomics, Broad Institute of MIT and Harvard
Classification: Likely pathogenic for Nemaline myopathy 10. Last evaluated: 2023-01-25. Review status: criteria provided, single submitter. Criteria: ACMG Guidelines, 2015. Collection method: curation. Allele origin: germline. Inheritance: Autosomal recessive inheritance.
Comment: The p.Asp242fsGlufsTer4 variant in LMOD3 has been reported in two unrelated individuals with nemaline myopathy (PMID: 25250574, PMID: 31428121), but has been identified in 10/34528 (of Latino/Admixed American chromosomes by the Genome Aggregation Consortium (gnomAD; dbSNP ID: rs769824247). This variant has also been reported in ClinVar (Variation ID:817627) and has been interpreted as pathogenic by Invitae, GeneDx, and PerkinElmer Genomics. Of the two affected individuals (PMID: 25250574, PMID: 31428121), one was a compound heterozygote who carried a likely pathogenic variant in trans (PMID: 31428121, dbSNP ID: rs757259401), which increases the likelihood that the p.Asp242fsGlufsTer4 variant is pathogenic. Although this variant has been seen in the general population in a heterozygous state, its frequency is not high enough to rule out a pathogenic role. This variant is predicted to cause a frameshift, which alters the protein‚Äôs amino acid sequence beginning at position 242 and leads to a premature termination codon 4 amino acids downstream. This alteration is then predicted to lead to a truncated or absent protein. Loss of function of the LMOD3 gene is an established disease mechanism in autosomal recessive nemaline myopathy. In summary, although additional studies are required to fully establish its clinical significance, this variant is likely pathogenic for autosomal recessive nemaline myopathy. ACMG/AMP Criteria applied: PVS1, PM3 (Richards 2015).

GeneDx
Classification: Pathogenic. Last evaluated: 2022-12-23. Review status: criteria provided, single submitter. Criteria: GeneDx Variant Classification Process June 2021. Collection method: clinical testing. Allele origin: germline. Affected: yes.
Comment: Frameshift variant predicted to result in protein truncation or nonsense mediated decay in a gene for which loss-of-function is a known mechanism of disease; This variant is associated with the following publications: (PMID: 25250574, 31428121)

PreventionGenetics, part of Exact Sciences
Classification: Pathogenic for LMOD3-related condition. Last evaluated: 2024-05-07. Review status: no assertion criteria provided. Collection method: clinical testing. Allele origin: germline. Not counted in ClinVar's aggregate classification.
Comment: The LMOD3 c.723_733del11 variant is predicted to result in a frameshift and premature protein termination (p.Asp242Glufs*4). This variant has been reported in the compound heterozygous state in an individual and a fetus with severe congenital nemaline myopathy (Yuen et al. 2014. PubMed ID: 25250574; Greenbaum et al. 2019. PubMed ID: 31428121). This variant is reported in 0.029% of alleles in individuals of Latino descent in gnomAD. Frameshift variants in LMOD3 are expected to be pathogenic. This variant is interpreted as pathogenic.

Literature cited by the submitters: PubMed 25250574 (cited by Labcorp Genetics (formerly Invitae), Labcorp); PubMed 31428121 (cited by Labcorp Genetics (formerly Invitae), Labcorp).